The following is an entry in ClinVar:

NM_000702.4(ATP1A2):c.1009A>G (p.Thr337Ala)

Gene: ATP1A2 (ATPase Na+/K+ transporting subunit alpha 2; plus strand). Cytogenetic location: 1q23.2.
Variant type: single nucleotide variant.
Coding change: c.1009A>G on transcript NM_000702.4 (MANE Select); coding-DNA position 1009, A replaced by G.
Protein change: p.Thr337Ala; replaces threonine 337 with alanine.
Molecular consequence: missense variant.
Genome position (GRCh38, 1-based): chr1:160,127,812, A>G. VCF-style: chr1-160127812-A-G. GRCh37 (hg19) VCF-style: chr1-160097602-A-G.
Other names: short protein forms T337A.
Identifiers: ClinVar variation 4740545 (VCV004740545.1).

ClinVar aggregate classification (germline): Uncertain significance (1 of 4 stars; one submission).

Conditions:
Familial hemiplegic migraine. Identifiers: MedGen C0338484, MONDO:0000700.

Submission:

Labcorp Genetics (formerly Invitae), Labcorp
Classification: Uncertain significance for Familial hemiplegic migraine. Last evaluated: 2025-06-17. Review status: criteria provided, single submitter. Criteria: Invitae Variant Classification Sherloc (09022015). Collection method: clinical testing. Allele origin: germline.
Comment: This sequence change replaces threonine, which is neutral and polar, with alanine, which is neutral and non-polar, at codon 337 of the ATP1A2 protein (p.Thr337Ala). This variant is not present in population databases (gnomAD no frequency). This variant has not been reported in the literature in individuals affected with ATP1A2-related conditions. Invitae Evidence Modeling of protein sequence and biophysical properties (such as structural, functional, and spatial information, amino acid conservation, physicochemical variation, residue mobility, and thermodynamic stability) indicates that this missense variant is not expected to disrupt ATP1A2 protein function with a negative predictive value of 80%. In summary, the available evidence is currently insufficient to determine the role of this variant in disease. Therefore, it has been classified as a Variant of Uncertain Significance.